The following is an entry in ClinVar:

ClinVar aggregate classification (germline): Likely pathogenic (1 of 4 stars; one submission).

Conditions:
Mitochondrial complex I deficiency, nuclear type 17. Also called: Mitochondrial complex 1 deficiency, nuclear type 17. Identifiers: MedGen C4748786, MONDO:0032622, OMIM 618239.

Submission:

Variantyx, Inc.
Classification: Likely pathogenic for Mitochondrial complex I deficiency, nuclear type 17. Last evaluated: 2025-10-30. Review status: criteria provided, single submitter. Criteria: Variantyx Assertion Criteria 2022. Collection method: clinical testing. Allele origin: germline. Inheritance: Autosomal recessive inheritance. Affected: no.
Comment: This is a frameshift variant in the NDUFAF6 gene (OMIM: 612392). Pathogenic variants in this gene have been associated with autosomal recessive mitochondrial complex I deficiency nuclear type 17. This variant introduces a premature termination codon in exon 3 out of 9 and is expected to result in loss of function, which is a known disease mechanism for NDUFAF6 in this disorder (PMID: 28639102) (PVS1). This variant is absent from control populations (PM2) and has not been reported in individuals with NDUFAF6-related disorders in the databases available for review. Based on the current evidence, this variant is classified as likely pathogenic for autosomal recessive mitochondrial complex I deficiency nuclear type 17.

Literature cited by the submitters: PubMed 28639102.

NM_152416.4(NDUFAF6):c.322del (p.Thr108fs)

Gene: NDUFAF6 (NADH:ubiquinone oxidoreductase complex assembly factor 6; plus strand). Cytogenetic location: 8q22.1.
Variant type: Deletion.
Coding change: c.322del on transcript NM_152416.4 (MANE Select); coding-DNA position 322, one base deleted (A; older notation c.322delA).
Protein change: p.Thr108fs; shifts the reading frame from threonine 108.
Molecular consequence: frameshift variant. On other transcripts: 5 prime UTR variant (14), non-coding transcript variant (6).
Genome position (GRCh38, 1-based): chr8:95,035,478, A deleted; the last of 4 consecutive A bases (chr8:95,035,475-95,035,478); deleting any one gives the same sequence. VCF-style (leftmost placement, unchanged base first): chr8-95035474-GA-G. GRCh37 (hg19) VCF-style: chr8-96047702-GA-G.
Other names: c.46del, p.Thr16fs (NM_001330582.2, NM_001354514.2, NM_001354515.2 and 1 more transcripts); c.166del, p.Thr56fs (NM_001354516.2); c.-12del (NM_001354517.2, NM_001354518.2, NM_001354519.2 and 1 more transcripts); c.-259del (NM_001354522.2, NM_001354529.2, NM_001354530.2 and 1 more transcripts); c.-328del (NM_001354524.2, NM_001354525.2, NM_001354528.2 and 1 more transcripts); c.-357del (NM_001354527.2, NM_001354531.2); short protein forms T108fs, T16fs, T56fs.
Identifiers: ClinVar variation 4813841 (VCV004813841.1).
Genomic context (GRCh38, chr8:95,035,474, plus strand): 5'-AGACAATGCATTTGCTAAAGTTTTTAAACCCTGTTTATAGGTTAAAGACTCAGTCTCTGA[GA>G]AAACAATTGGACTGATGCGAATGCAGTTTTGGAAAAAAACTGTGGAAGATATATACTGTG-3'